The following is an entry in ClinVar:

NM_003105.6(SORL1):c.5842G>A (p.Val1948Met)

Gene: SORL1 (sortilin related receptor 1; plus strand). Cytogenetic location: 11q24.1.
Variant type: single nucleotide variant.
Coding change: c.5842G>A on transcript NM_003105.6 (MANE Select); coding-DNA position 5842, G replaced by A.
Protein change: p.Val1948Met; replaces valine 1948 with methionine.
Molecular consequence: missense variant.
Genome position (GRCh38, 1-based): chr11:121,619,870, G>A. VCF-style: chr11-121619870-G-A. GRCh37 (hg19) VCF-style: chr11-121490579-G-A.
Other names: short protein forms V1948M.
Identifiers: ClinVar variation 2893053 (VCV002893053.3), dbSNP rs374063134, ClinGen allele CA6330088.

ClinVar aggregate classification (germline): Uncertain significance (1 of 4 stars; one submission).

Allele frequency attached by ClinVar (database versions not stated): gnomAD 0.00001; gnomAD exomes 0.00001; ExAC 0.00002; ESP Exome Variant Server 0.00008.
gnomAD v4.1: 14 of 1,613,964 alleles (0.00087%); highest among the groups gnomAD compares: East Asian, 0.0067%; no homozygotes.

Submission:

Labcorp Genetics (formerly Invitae), Labcorp
Classification: Uncertain significance. Last evaluated: 2023-11-06. Review status: criteria provided, single submitter. Criteria: Invitae Variant Classification Sherloc (09022015). Collection method: clinical testing. Allele origin: germline.
Comment: This sequence change replaces valine, which is neutral and non-polar, with methionine, which is neutral and non-polar, at codon 1948 of the SORL1 protein (p.Val1948Met). This variant is present in population databases (rs374063134, gnomAD 0.005%). This variant has not been reported in the literature in individuals affected with SORL1-related conditions. An algorithm developed to predict the effect of missense changes on protein structure and function (PolyPhen-2) suggests that this variant is likely to be disruptive. In summary, the available evidence is currently insufficient to determine the role of this variant in disease. Therefore, it has been classified as a Variant of Uncertain Significance.